The following is an entry in ClinVar:

ClinVar aggregate classification (germline): Uncertain significance (1 of 4 stars; one submission).

Submission:

Labcorp Genetics (formerly Invitae), Labcorp
Classification: Uncertain significance. Last evaluated: 2024-09-01. Review status: criteria provided, single submitter. Criteria: Invitae Variant Classification Sherloc (09022015). Collection method: clinical testing. Allele origin: germline.
Comment: This sequence change replaces valine, which is neutral and non-polar, with leucine, which is neutral and non-polar, at codon 93 of the ANK1 protein (p.Val93Leu). This variant is not present in population databases (gnomAD no frequency). This variant has not been reported in the literature in individuals affected with ANK1-related conditions. Invitae Evidence Modeling of protein sequence and biophysical properties (such as structural, functional, and spatial information, amino acid conservation, physicochemical variation, residue mobility, and thermodynamic stability) has been performed for this missense variant. However, the output from this modeling did not meet the statistical confidence thresholds required to predict the impact of this variant on ANK1 protein function. In summary, the available evidence is currently insufficient to determine the role of this variant in disease. Therefore, it has been classified as a Variant of Uncertain Significance.

NM_000037.4(ANK1):c.277G>T (p.Val93Leu)

Gene: ANK1 (ankyrin 1; minus strand). Cytogenetic location: 8p11.21.
Variant type: single nucleotide variant.
Coding change: c.277G>T on transcript NM_000037.4 (MANE Select); coding-DNA position 277, G replaced by T.
Protein change: p.Val93Leu; replaces valine 93 with leucine.
Molecular consequence: missense variant.
Genome position (GRCh38, 1-based): chr8:41,727,958, C>A on the plus strand (G>T on the coding strand, the complement: ANK1 is on the minus strand). VCF-style: chr8-41727958-C-A. GRCh37 (hg19) VCF-style: chr8-41585476-C-A.
Other names: c.376G>T, p.Val126Leu (NM_001142446.2); c.277G>T, p.Val93Leu (NM_020475.3, NM_020476.3, NM_020477.3); short protein forms V93L, V126L.
Identifiers: ClinVar variation 3664166 (VCV003664166.2).